The following is an entry in ClinVar:

NM_014141.6(CNTNAP2):c.1147T>C (p.Tyr383His)

Gene: CNTNAP2 (contactin associated protein 2; plus strand). Cytogenetic location: 7q35.
Variant type: single nucleotide variant.
Coding change: c.1147T>C on transcript NM_014141.6 (MANE Select); coding-DNA position 1147, T replaced by C.
Protein change: p.Tyr383His; replaces tyrosine 383 with histidine.
Molecular consequence: missense variant.
Genome position (GRCh38, 1-based): chr7:147,132,308, T>C. VCF-style: chr7-147132308-T-C. GRCh37 (hg19) VCF-style: chr7-146829400-T-C.
Other names: short protein forms Y383H.
Identifiers: ClinVar variation 1377919 (VCV001377919.8), dbSNP rs1343953862, ClinGen allele CA369924583.

ClinVar aggregate classification (germline): Uncertain significance (1 of 4 stars; one submission).

Conditions:
Cortical dysplasia-focal epilepsy syndrome (PTHSL1). Also called: Pitt-Hopkins-like syndrome 1. Identifiers: Orphanet 163681, Orphanet 221150, MedGen C2750246, MONDO:0012400, OMIM 610042.

Allele frequency attached by ClinVar (database versions not stated): gnomAD exomes below 0.00001; gnomAD 0.00001.
gnomAD v4.1: 3 of 1,613,674 alleles (0.00019%); highest among the groups gnomAD compares: African/African-American, 0.0013%; no homozygotes.

Submission:

Labcorp Genetics (formerly Invitae), Labcorp
Classification: Uncertain significance for Cortical dysplasia-focal epilepsy syndrome. Last evaluated: 2022-09-01. Review status: criteria provided, single submitter. Criteria: Invitae Variant Classification Sherloc (09022015). Collection method: clinical testing. Allele origin: germline.
Comment: This sequence change replaces tyrosine, which is neutral and polar, with histidine, which is basic and polar, at codon 383 of the CNTNAP2 protein (p.Tyr383His). This variant is present in population databases (no rsID available, gnomAD 0.01%). This variant has not been reported in the literature in individuals affected with CNTNAP2-related conditions. ClinVar contains an entry for this variant (Variation ID: 1377919). In summary, the available evidence is currently insufficient to determine the role of this variant in disease. Therefore, it has been classified as a Variant of Uncertain Significance. Algorithms developed to predict the effect of missense changes on protein structure and function are either unavailable or do not agree on the potential impact of this missense change (SIFT: "Deleterious"; PolyPhen-2: "Benign"; Align-GVGD: "Class C0").